The following is an entry in ClinVar:

ClinVar aggregate classification (germline): Likely benign (1 of 4 stars; one submission).

Allele frequency attached by ClinVar (database versions not stated): gnomAD exomes below 0.00001; ExAC 0.00001.
gnomAD v4.1: 4 of 1,614,156 alleles (0.00025%); highest among the groups gnomAD compares: Non-Finnish European, 0.00034%; no homozygotes.

Submission:

GeneDx
Classification: Likely benign. Last evaluated: 2017-12-11. Review status: criteria provided, single submitter. Criteria: GeneDx Variant Classification (06012015). Collection method: clinical testing. Allele origin: germline. Affected: yes.
Comment: This variant is considered likely benign or benign based on one or more of the following criteria: it is a conservative change, it occurs at a poorly conserved position in the protein, it is predicted to be benign by multiple in silico algorithms, and/or has population frequency not consistent with disease.

NM_005006.7(NDUFS1):c.1014G>A (p.Val338=)

Gene: NDUFS1 (NADH:ubiquinone oxidoreductase core subunit S1; minus strand). Cytogenetic location: 2q33.3.
Variant type: single nucleotide variant.
Coding change: c.1014G>A on transcript NM_005006.7 (MANE Select); coding-DNA position 1014, G replaced by A.
Protein change: p.Val338=; no amino-acid change (valine 338 retained).
Molecular consequence: synonymous variant.
Genome position (GRCh38, 1-based): chr2:206,142,805, C>T on the plus strand (G>A on the coding strand, the complement: NDUFS1 is on the minus strand). VCF-style: chr2-206142805-C-T. GRCh37 (hg19) VCF-style: chr2-207007529-C-T.
Other names: c.906G>A, p.Val302= (NM_001199981.2); c.681G>A, p.Val227= (NM_001199982.2); c.843G>A, p.Val281= (NM_001199983.2); c.1056G>A, p.Val352= (NM_001199984.2).
Identifiers: ClinVar variation 513600 (VCV000513600.1), dbSNP rs763080348, ClinGen allele CA2070581.